The following is an entry in ClinVar:

NM_001287.6(CLCN7):c.2250+12G>T

Gene: CLCN7 (Cl-/H+ antiporter 7; minus strand). Cytogenetic location: 16p13.3.
Variant type: single nucleotide variant.
Coding change: c.2250+12G>T on transcript NM_001287.6 (MANE Select); 12 bases into the intron after coding-DNA position 2250, G replaced by T.
Molecular consequence: intron variant.
Genome position (GRCh38, 1-based): chr16:1,447,380, C>A on the plus strand (G>T on the coding strand, the complement: CLCN7 is on the minus strand). VCF-style: chr16-1447380-C-A. GRCh37 (hg19) VCF-style: chr16-1497381-C-A.
Other names: c.2178+12G>T (NM_001114331.3).
Identifiers: ClinVar variation 1957227 (VCV001957227.5), dbSNP rs1428840664, ClinGen allele CA620698133.

ClinVar aggregate classification (germline): Uncertain significance (1 of 4 stars; one submission).

Allele frequency attached by ClinVar (database versions not stated): TOPMed 0.00001; gnomAD 0.00001.

Submission:

Labcorp Genetics (formerly Invitae), Labcorp
Classification: Uncertain significance. Last evaluated: 2025-10-29. Review status: criteria provided, single submitter. Criteria: Invitae Variant Classification Sherloc (09022015). Collection method: clinical testing. Allele origin: germline.
Comment: This sequence change falls in intron 23 of the CLCN7 gene. It does not directly change the encoded amino acid sequence of the CLCN7 protein. This variant is present in population databases (no rsID available, gnomAD 0.004%). This variant has not been reported in the literature in individuals affected with CLCN7-related conditions. ClinVar contains an entry for this variant (Variation ID: 1957227). Algorithms developed to predict the effect of sequence changes on RNA splicing suggest that this variant may create or strengthen a splice site. In summary, the available evidence is currently insufficient to determine the role of this variant in disease. Therefore, it has been classified as a Variant of Uncertain Significance.